The following is an entry in ClinVar:

NM_000041.4(APOE):c.494G>C (p.Arg165Pro)

Gene: APOE (apolipoprotein E; plus strand). Cytogenetic location: 19q13.32.
Variant type: single nucleotide variant.
Coding change: c.494G>C on transcript NM_000041.4 (MANE Select); coding-DNA position 494, G replaced by C.
Protein change: p.Arg165Pro; replaces arginine 165 with proline.
Molecular consequence: missense variant.
Genome position (GRCh38, 1-based): chr19:44,908,790, G>C. VCF-style: chr19-44908790-G-C. GRCh37 (hg19) VCF-style: chr19-45412047-G-C.
Other names: c.572G>C, p.Arg191Pro (NM_001302688.2); c.494G>C, p.Arg165Pro (NM_001302689.2, NM_001302690.2, NM_001302691.2); short protein forms R165P, R191P.
Identifiers: ClinVar variation 1077013 (VCV001077013.2), dbSNP rs1332591068, ClinGen allele CA406304123.

ClinVar aggregate classification (germline): Conflicting classifications of pathogenicity. Review status: criteria provided, conflicting classifications (1 of 4 stars). 2 submissions from 2 submitters: Likely pathogenic (1); Uncertain significance (1). Last evaluated 2025-05-29.

Conditions:
Familial type 3 hyperlipoproteinemia. Also called: Apolipoprotein e, deficiency or defect of; Dysbetalipoproteinemia due to defect in apolipoprotein e-d; Familial hyperbeta- and prebetalipoproteinemia; Familial hypercholesterolemia with hyperlipemia; Floating-betalipoproteinemia; Hyperlipemia with familial hypercholesterolemic xanthomatosis. Identifiers: Orphanet 412, MedGen C0020479, MONDO:0018473, OMIM 617347.
Lipoprotein glomerulopathy (LPG). Identifiers: Orphanet 329481, MedGen C2673196, MONDO:0012725, OMIM 611771.

Submissions (2):

3billion
Classification: Uncertain significance for Familial type 3 hyperlipoproteinemia. Last evaluated: 2025-05-29. Review status: criteria provided, single submitter. Criteria: ACMG Guidelines, 2015. Collection method: clinical testing. Allele origin: germline. Affected: yes.
Comment: The variant is not observed in the gnomAD v4.1.0 dataset. Predicted Consequence/Location: Missense variant In silico tool predictions suggest damaging effect of the variant on gene or gene product [REVEL: 0.75 (>=0.6, sensitivity 0.68 and specificity 0.92); 3Cnet: 0.97 (> 0.75, sensitivity 0.96 and precision 0.92)]. The same nucleotide change resulting in the same amino acid change has been previously reported to be associated with APOE-related disorder (ClinVar ID: VCV001077013 /PMID: 16490634).A different missense change at the same codon (p.Arg165Trp) has been reported to be associated with APOE-related disorder (PMID: 37051929). Therefore, this variant is classified as VUS according to the recommendation of ACMG/AMP guideline.

Precision Medicine Center, Zhengzhou University
Classification: Likely pathogenic for Lipoprotein glomerulopathy. Review status: criteria provided, single submitter. Criteria: ACMG Guidelines, 2015. Collection method: research. Allele origin: germline. Affected: yes.
Comment: PM1:Located in well-established functional domain PM2:not found in gnomAD PP2:Missense variant in a gene that has a low rate of benign missense variation and in which missense variants are a common mechanism of disease PP3:Multiple lines of computational evidence support a deleterious effect on the gene or gene product PP4:Patient's phenotype is highly specific for a disease

Literature cited by the submitters: PubMed 37051929 (cited by 3billion); PubMed 16490634 (cited by 3billion).